The following is an entry in ClinVar:

ClinVar aggregate classification (germline): Benign. Review status: criteria provided, multiple submitters, no conflicts (2 of 4 stars). 2 submissions from 2 submitters: Benign (2). Last evaluated 2019-01-10.

Allele frequency attached by ClinVar (database versions not stated): gnomAD exomes 0.37586 and 0.43440; ExAC 0.43995; gnomAD 0.49148 and 0.49436; ESP Exome Variant Server 0.49400; TOPMed 0.51489; 1000 Genomes Project 0.56270; 1000 Genomes Project 30x 0.56980.

Submissions (2):

GeneDx
Classification: Benign. Last evaluated: 2019-01-10. Review status: criteria provided, single submitter. Criteria: GeneDx Variant Classification Process June 2021. Collection method: clinical testing. Allele origin: germline. Affected: yes.
Comment: This variant is associated with the following publications: (PMID: 28972276)

Breakthrough Genomics
Classification: Benign. Review status: criteria provided, single submitter. Criteria: ACMG Guidelines, 2015. Collection method: not provided. Allele origin: germline. Inheritance: Unknown mechanism. Affected: yes.

NM_014730.4(MLEC):c.414+28C>T

Gene: MLEC (malectin; plus strand). Cytogenetic location: 12q24.31.
Variant type: single nucleotide variant.
Coding change: c.414+28C>T on transcript NM_014730.4 (MANE Select); 28 bases into the intron after coding-DNA position 414, C replaced by T.
Molecular consequence: intron variant.
Genome position (GRCh38, 1-based): chr12:120,694,297, C>T. VCF-style: chr12-120694297-C-T. GRCh37 (hg19) VCF-style: chr12-121132100-C-T.
Other names: c.414+28C>T (NM_001303628.2); c.165+28C>T (NM_001303627.2).
Identifiers: ClinVar variation 1237132 (VCV001237132.4), dbSNP rs7964786, ClinGen allele CA6830412.